The following is an entry in ClinVar:

NM_170707.4(LMNA):c.1057C>T (p.Gln353Ter)

Gene: LMNA (lamin A/C; plus strand). Cytogenetic location: 1q22.
Variant type: single nucleotide variant.
Coding change: c.1057C>T on transcript NM_170707.4 (MANE Select); coding-DNA position 1057, C replaced by T.
Protein change: p.Gln353Ter; replaces glutamine 353 with a stop codon.
Molecular consequence: nonsense.
Genome position (GRCh38, 1-based): chr1:156,136,021, C>T. VCF-style: chr1-156136021-C-T. GRCh37 (hg19) VCF-style: chr1-156105812-C-T.
Other names: p.Q353*:CAG>TAG; c.721C>T, p.Gln241Ter (NM_001257374.3); c.814C>T, p.Gln272Ter (NM_001282624.2); c.1057C>T, p.Gln353Ter (NM_001282625.2, NM_001282626.2, NM_005572.4 and 1 more transcripts); short protein forms Q353*, Q241*, Q272*.
Identifiers: ClinVar variation 200939 (VCV000200939.25), dbSNP rs267607623, ClinGen allele CA016519.

ClinVar aggregate classification (germline): Pathogenic. Review status: criteria provided, multiple submitters, no conflicts (2 of 4 stars). 5 submissions from 5 submitters: Pathogenic (4). 1 of the submissions does not count toward it. Last evaluated 2026-08-26.

Conditions:
Charcot-Marie-Tooth disease type 2. Also called: Charcot-Marie-Tooth type 2. Identifiers: Orphanet 64746, MedGen C0270914, MONDO:0018993.
Neuronopathy, distal hereditary motor, autosomal dominant. Also called: Autosomal dominant distal hereditary motor neuropathy. Identifiers: Orphanet 140465, MedGen C5548212, MONDO:0015362.
Cardiovascular phenotype. Identifiers: MedGen CN230736.

Allele frequency attached by ClinVar (database versions not stated): gnomAD exomes below 0.00001.

Submissions (5):

GeneDx
Classification: Pathogenic. Last evaluated: 2026-08-26. Review status: criteria provided, single submitter. Criteria: GeneDx Variant Classification Process June 2021. Collection method: clinical testing. Allele origin: germline.
Comment: Nonsense variant predicted to result in protein truncation or nonsense mediated decay in a gene for which loss of function is a known mechanism of disease; Not observed at significant frequency in large population cohorts (gnomAD); This variant is associated with the following publications: (PMID: 28152038, Naidu_2023[publication], 29861492, 25886484, 36396199)

Labcorp Genetics (formerly Invitae), Labcorp
Classification: Pathogenic for Charcot-Marie-Tooth disease type 2. Last evaluated: 2025-12-29. Review status: criteria provided, single submitter. Criteria: Invitae Variant Classification Sherloc (09022015). Collection method: clinical testing. Allele origin: germline.
Comment: This sequence change creates a premature translational stop signal (p.Gln353*) in the LMNA gene. It is expected to result in an absent or disrupted protein product. Loss-of-function variants in LMNA are known to be pathogenic (PMID: 18585512, 18926329). This variant is present in population databases (rs267607623, gnomAD 0.003%). This premature translational stop signal has been observed in individual(s) with amyotrophy of the lower limbs, arrhythmia and cardiac hypofunction (PMID: 25886484). ClinVar contains an entry for this variant (Variation ID: 200939). For these reasons, this variant has been classified as Pathogenic.

Mayo Clinic Laboratories, Mayo Clinic
Classification: Pathogenic. Last evaluated: 2019-09-25. Review status: criteria provided, single submitter. Criteria: ACMG Guidelines, 2015. Collection method: clinical testing. Allele origin: germline. Observed: 1 variant allele.
Comment: PVS1, PM1, PM2

Ambry Genetics
Classification: Pathogenic for Cardiovascular phenotype. Last evaluated: 2018-04-11. Review status: criteria provided, single submitter. Criteria: Ambry Variant Classification Scheme 2023. Collection method: clinical testing. Allele origin: germline.
Comment: The p.Q353* pathogenic mutation (also known as c.1057C>T), located in coding exon 6 of the LMNA gene, results from a C to T substitution at nucleotide position 1057. This changes the amino acid from a glutamine to a stop codon within coding exon 6. This mutation has been previously reported in a patient with an LMNA-associated laminopathy (Iwahara N et al. BMC Neurol. 2015;15:13). In addition to the clinical data presented in the literature, this alteration is expected to result in loss of function by premature protein truncation or nonsense-mediated mRNA decay. As such, this alteration is interpreted as a disease-causing mutation.

Inherited Neuropathy Consortium
Classification: Uncertain significance for Autosomal dominant distal hereditary motor neuropathy. Review status: no assertion criteria provided. Collection method: literature only. Allele origin: germline. Affected: yes. Not counted in ClinVar's aggregate classification.

Literature cited by the submitters: PubMed 18585512 (cited by Labcorp Genetics (formerly Invitae), Labcorp); PubMed 18926329 (cited by Labcorp Genetics (formerly Invitae), Labcorp); PubMed 25886484 (cited by 4 submitters); PubMed 28152038 (cited by Mayo Clinic Laboratories, Mayo Clinic).